The following is an entry in ClinVar:

NM_014249.4(NR2E3):c.380C>T (p.Thr127Ile)

Gene: NR2E3 (nuclear receptor subfamily 2 group E member 3; plus strand). Cytogenetic location: 15q23.
Variant type: single nucleotide variant.
Coding change: c.380C>T on transcript NM_014249.4 (MANE Select); coding-DNA position 380, C replaced by T.
Protein change: p.Thr127Ile; replaces threonine 127 with isoleucine.
Molecular consequence: missense variant.
Genome position (GRCh38, 1-based): chr15:71,811,985, C>T. VCF-style: chr15-71811985-C-T. GRCh37 (hg19) VCF-style: chr15-72104325-C-T.
Other names: c.380C>T, p.Thr127Ile (NM_016346.4); short protein forms T127I.
Identifiers: ClinVar variation 5003440 (VCV005003440.1).
Genomic context (GRCh38, chr15:71,811,985, plus strand): 5'-GTGTCGTCCTGACCCTTCCTGCCTCCCCAGCCGTGCAGAACGAGCGCCAGCCGCGAAGCA[C>T]AGCCCAGGTCCACCTGGACAGCATGGAGTCCAACACTGAGTCCCGGCCGGAGTCCCTGGT-3'
Protein context (NP_055064.1, residues 117-137): AVQNERQPRS[Thr127Ile]AQVHLDSMES

ClinVar aggregate classification (germline): Uncertain significance (1 of 4 stars; one submission).

Conditions:
ENHANCED S-CONE SYNDROME 1 (ESCS1). Also called: RETINOSCHISIS WITH EARLY HEMERALOPIA; FAVRE HYALOIDEORETINAL DEGENERATION. Identifiers: MedGen CN380299, OMIM 268100.

Submission:

Myriad Genetics, Inc.
Classification: Uncertain significance for ENHANCED S-CONE SYNDROME 1. Last evaluated: 2026-03-13. Review status: criteria provided, single submitter. Criteria: Myriad Autosomal Dominant, Autosomal Recessive and X-Linked Classification Criteria (2023). Collection method: clinical testing. Allele origin: unknown.
Comment: NM_014249.2(NR2E3):c.380C>T(T127I) is a missense variant classified as a variant of uncertain significance in the context of enhanced S-cone syndrome. T127I has not been observed in cases with relevant disease. Relevant functional assessments of this variant are not available in the literature. T127I has not been observed in referenced population frequency databases. In summary, there is insufficient evidence to classify NM_014249.2(NR2E3):c.380C>T(T127I) as pathogenic or benign. Please note: this variant was assessed in the context of healthy population screening.